The following is an entry in ClinVar:

ClinVar aggregate classification (germline): Likely pathogenic (1 of 4 stars; one submission).

Submission:

Dasa
Classification: Likely pathogenic. Last evaluated: 2025-12-22. Review status: criteria provided, single submitter. Criteria: DASA Assertion Criteria. Collection method: clinical testing. Allele origin: germline.
Comment: NM_020751.3(COG6):c.906del (p.His302Glnfs*4) is a frameshift variant in COG6 predicted to alter the reading frame and introduce a premature termination codon and is predicted to result in an absent or altered protein product. Loss of function is an established disease mechanism for COG6-associated disorders. Also, this variant is rare in population databases. Based on the currently available evidence, this variant is classified as likely pathogenic.

NM_020751.3(COG6):c.906del (p.His302fs)

Gene: COG6 (component of oligomeric golgi complex 6; plus strand). Cytogenetic location: 13q14.11.
Variant type: Deletion.
Coding change: c.906del on transcript NM_020751.3 (MANE Select); coding-DNA position 906, one base deleted (T; older notation c.906delT).
Protein change: p.His302fs; shifts the reading frame from histidine 302.
Molecular consequence: frameshift variant. On other transcripts: non-coding transcript variant (1).
Genome position (GRCh38, 1-based): chr13:39,687,620, T deleted. VCF-style (leftmost placement, unchanged base first): chr13-39687619-AT-A. GRCh37 (hg19) VCF-style: chr13-40261756-AT-A.
Other names: c.906del, p.His302fs (NM_001145079.2); short protein forms H302fs.
Identifiers: ClinVar variation 4880597 (VCV004880597.2).